The following is an entry in ClinVar:

NM_002470.4(MYH3):c.151A>C (p.Lys51Gln)

Gene: MYH3 (myosin heavy chain 3; minus strand). Cytogenetic location: 17p13.1.
Variant type: single nucleotide variant.
Coding change: c.151A>C on transcript NM_002470.4 (MANE Select); coding-DNA position 151, A replaced by C.
Protein change: p.Lys51Gln; replaces lysine 51 with glutamine.
Molecular consequence: missense variant.
Genome position (GRCh38, 1-based): chr17:10,654,914, T>G on the plus strand (A>C on the coding strand, the complement: MYH3 is on the minus strand). VCF-style: chr17-10654914-T-G. GRCh37 (hg19) VCF-style: chr17-10558231-T-G.
Other names: short protein forms K51Q.
Identifiers: ClinVar variation 3907050 (VCV003907050.1).

ClinVar aggregate classification (germline): Uncertain significance (1 of 4 stars; one submission).

gnomAD v4.1: 5 of 1,614,176 alleles (0.00031%); highest among the groups gnomAD compares: Non-Finnish European, 0.00042%; no homozygotes.

Submission:

Women's Health and Genetics/Laboratory Corporation of America, LabCorp
Classification: Uncertain significance. Last evaluated: 2025-06-17. Review status: criteria provided, single submitter. Criteria: LabCorp Variant Classification Summary - May 2015. Collection method: clinical testing. Allele origin: germline.
Comment: Variant summary: MYH3 c.151A>C (p.Lys51Gln) results in a conservative amino acid change in the encoded protein sequence. Algorithms developed to predict the effect of missense changes on protein structure and function all suggest that this variant is likely to be tolerated. The variant allele was found at a frequency of 1.2e-05 in 251490 control chromosomes. The available data on variant occurrences in the general population are insufficient to allow any conclusion about variant significance. To our knowledge, no occurrence of c.151A>C in individuals affected with MYH3-Related Disorders and no experimental evidence demonstrating its impact on protein function have been reported. No submitters have cited clinical-significance assessments for this variant to ClinVar. Based on the evidence outlined above, the variant was classified as uncertain significance.